The following is an entry in ClinVar:

ClinVar aggregate classification (germline): Uncertain significance. Review status: criteria provided, multiple submitters, no conflicts (2 of 4 stars). 2 submissions from 2 submitters: Uncertain significance (2). Last evaluated 2024-08-10.

Conditions:
Inborn genetic diseases. Identifiers: MedGen C0950123, MeSH D030342.
Inflammatory bowel disease 28. Also called: Inflammatory bowel disease 28, early onset, autosomal recessive. Identifiers: Orphanet 238569, MedGen C2751053, MONDO:0013153, OMIM 613148.

Allele frequency attached by ClinVar (database versions not stated): gnomAD exomes below 0.00001; TOPMed below 0.00001.

Submissions (2):

Ambry Genetics
Classification: Uncertain significance for Inborn genetic diseases. Last evaluated: 2024-08-10. Review status: criteria provided, single submitter. Criteria: Ambry Variant Classification Scheme 2023. Collection method: clinical testing. Allele origin: germline.

Labcorp Genetics (formerly Invitae), Labcorp
Classification: Uncertain significance for Inflammatory bowel disease 28. Last evaluated: 2022-03-31. Review status: criteria provided, single submitter. Criteria: Invitae Variant Classification Sherloc (09022015). Collection method: clinical testing. Allele origin: germline.
Comment: This sequence change replaces glycine, which is neutral and non-polar, with arginine, which is basic and polar, at codon 371 of the IL10RA protein (p.Gly371Arg). This variant is not present in population databases (gnomAD no frequency). This variant has not been reported in the literature in individuals affected with IL10RA-related conditions. Algorithms developed to predict the effect of missense changes on protein structure and function are either unavailable or do not agree on the potential impact of this missense change (SIFT: "Deleterious"; PolyPhen-2: "Probably Damaging"; Align-GVGD: "Class C0"). In summary, the available evidence is currently insufficient to determine the role of this variant in disease. Therefore, it has been classified as a Variant of Uncertain Significance.

NM_001558.4(IL10RA):c.1111G>A (p.Gly371Arg)

Gene: IL10RA (interleukin 10 receptor subunit alpha; plus strand). Cytogenetic location: 11q23.3.
Variant type: single nucleotide variant.
Coding change: c.1111G>A on transcript NM_001558.4 (MANE Select); coding-DNA position 1111, G replaced by A.
Protein change: p.Gly371Arg; replaces glycine 371 with arginine.
Molecular consequence: missense variant. On other transcripts: non-coding transcript variant (1).
Genome position (GRCh38, 1-based): chr11:117,999,015, G>A. VCF-style: chr11-117999015-G-A. GRCh37 (hg19) VCF-style: chr11-117869730-G-A.
Other names: c.1111G>A (NM_001558.3); short protein forms G371R.
Identifiers: ClinVar variation 1370045 (VCV001370045.9), dbSNP rs1591266329, ClinGen allele CA382779726.